The following is an entry in ClinVar:

ClinVar aggregate classification (germline): Uncertain significance. Review status: criteria provided, multiple submitters, no conflicts (2 of 4 stars). 2 submissions from 2 submitters: Uncertain significance (2). Last evaluated 2021-10-19.

Conditions:
Familial cancer of breast. Also called: BREAST CANCER, FAMILIAL; Hereditary breast cancer; hereditary breast carcinoma. Identifiers: Orphanet 227535, MedGen C0346153, MONDO:0016419, OMIM 114480. Disease mechanism: loss of function.
Fanconi anemia complementation group J. Also called: BRIP1-Related Fanconi Anemia. Identifiers: Orphanet 84, MedGen C1836860, MONDO:0012187, OMIM 609054.
Hereditary cancer-predisposing syndrome. Also called: Tumor predisposition; Hereditary neoplastic syndrome; Neoplastic Syndromes, Hereditary; Hereditary Cancer Syndrome. Identifiers: Orphanet 140162, MedGen C0027672, MeSH D009386, MONDO:0015356.

Submissions (2):

Ambry Genetics
Classification: Uncertain significance for Hereditary cancer-predisposing syndrome. Last evaluated: 2021-10-19. Review status: criteria provided, single submitter. Criteria: Ambry Variant Classification Scheme 2023. Collection method: clinical testing. Allele origin: germline.
Comment: The p.I32F variant (also known as c.94A>T) is located in coding exon 2 of the BRIP1 gene. The isoleucine at codon 32 is replaced by phenylalanine, an amino acid with highly similar properties. This change occurs in the first base pair of coding exon 2. This amino acid position is conserved. In addition, this alteration is predicted to be deleterious by in silico analysis. Since supporting evidence is limited at this time, the clinical significance of this alteration remains unclear.

Labcorp Genetics (formerly Invitae), Labcorp
Classification: Uncertain significance for Familial cancer of breast; Fanconi anemia complementation group J. Last evaluated: 2021-03-19. Review status: criteria provided, single submitter. Criteria: Invitae Variant Classification Sherloc (09022015). Collection method: clinical testing. Allele origin: germline.
Comment: In summary, the available evidence is currently insufficient to determine the role of this variant in disease. Therefore, it has been classified as a Variant of Uncertain Significance. Algorithms developed to predict the effect of sequence changes on RNA splicing suggest that this variant may disrupt the consensus splice site, but this prediction has not been confirmed by published transcriptional studies. Algorithms developed to predict the effect of missense changes on protein structure and function are either unavailable or do not agree on the potential impact of this missense change (SIFT: "Deleterious"; PolyPhen-2: "Probably Damaging"; Align-GVGD: "Class C0"). This variant has not been reported in the literature in individuals with BRIP1-related conditions. The frequency data for this variant in the population databases is considered unreliable, as metrics indicate poor data quality at this position in the ExAC database. This sequence change replaces isoleucine with phenylalanine at codon 32 of the BRIP1 protein (p.Ile32Phe). The isoleucine residue is highly conserved and there is a small physicochemical difference between isoleucine and phenylalanine.

NM_032043.3(BRIP1):c.94A>T (p.Ile32Phe)

Gene: BRIP1 (BRCA1 interacting DNA helicase 1; minus strand). Cytogenetic location: 17q23.2.
Variant type: single nucleotide variant.
Coding change: c.94A>T on transcript NM_032043.3 (MANE Select); coding-DNA position 94, A replaced by T.
Protein change: p.Ile32Phe; replaces isoleucine 32 with phenylalanine.
Molecular consequence: missense variant.
Genome position (GRCh38, 1-based): chr17:61,859,907, T>A on the plus strand (A>T on the coding strand, the complement: BRIP1 is on the minus strand). VCF-style: chr17-61859907-T-A. GRCh37 (hg19) VCF-style: chr17-59937268-T-A.
Other names: short protein forms I32F.
Identifiers: ClinVar variation 1379782 (VCV001379782.11), dbSNP rs776386693, ClinGen allele CA8690995.